The following is an entry in ClinVar:

NM_017947.4(MOCOS):c.2410-3C>T

Gene: MOCOS (molybdenum cofactor sulfurase; plus strand). Cytogenetic location: 18q12.2.
Variant type: single nucleotide variant.
Coding change: c.2410-3C>T on transcript NM_017947.4 (MANE Select); 3 bases into the intron before coding-DNA position 2410, C replaced by T.
Molecular consequence: intron variant.
Genome position (GRCh38, 1-based): chr18:36,266,746, C>T. VCF-style: chr18-36266746-C-T. GRCh37 (hg19) VCF-style: chr18-33846709-C-T.
Identifiers: ClinVar variation 2006482 (VCV002006482.4), dbSNP rs1469078316, ClinGen allele CA629424963.

ClinVar aggregate classification (germline): Uncertain significance (1 of 4 stars; one submission).

Conditions:
Xanthinuria type II. Also called: Xanthine dehydrogenase and aldehyde oxidase combined deficiency of; XDH and AOX dual deficiency. Identifiers: Orphanet 3467, Orphanet 93602, MedGen C1863688, MONDO:0011346, OMIM 603592.

Allele frequency attached by ClinVar (database versions not stated): gnomAD exomes below 0.00001.
gnomAD v4.1: 1 of 1,613,768 alleles (0.000062%); highest among the groups gnomAD compares: East Asian, 0.0022%; no homozygotes.

Submission:

Labcorp Genetics (formerly Invitae), Labcorp
Classification: Uncertain significance for Xanthinuria type II. Last evaluated: 2022-10-25. Review status: criteria provided, single submitter. Criteria: Invitae Variant Classification Sherloc (09022015). Collection method: clinical testing. Allele origin: germline.
Comment: In summary, the available evidence is currently insufficient to determine the role of this variant in disease. Therefore, it has been classified as a Variant of Uncertain Significance. Variants that disrupt the consensus splice site are a relatively common cause of aberrant splicing (PMID: 17576681, 9536098). Algorithms developed to predict the effect of sequence changes on RNA splicing suggest that this variant is not likely to affect RNA splicing. This variant has not been reported in the literature in individuals affected with MOCOS-related conditions. This variant is present in population databases (no rsID available, gnomAD 0.006%). This sequence change falls in intron 13 of the MOCOS gene. It does not directly change the encoded amino acid sequence of the MOCOS protein. It affects a nucleotide within the consensus splice site.

Literature cited by the submitters: PubMed 17576681; PubMed 9536098.